The following is an entry in ClinVar:

NM_144641.4(PPM1M):c.903C>G (p.His301Gln)

Gene: PPM1M (protein phosphatase, Mg2+/Mn2+ dependent 1M; plus strand). Cytogenetic location: 3p21.2.
Variant type: single nucleotide variant.
Coding change: c.903C>G on transcript NM_144641.4 (MANE Select); coding-DNA position 903, C replaced by G.
Protein change: p.His301Gln; replaces histidine 301 with glutamine.
Molecular consequence: missense variant.
Genome position (GRCh38, 1-based): chr3:52,248,442, C>G. VCF-style: chr3-52248442-C-G. GRCh37 (hg19) VCF-style: chr3-52282458-C-G.
Other names: c.267C>G, p.His89Gln (NM_001122870.3); short protein forms H301Q, H89Q.
Identifiers: ClinVar variation 3898091 (VCV003898091.7).

ClinVar aggregate classification (germline): Likely benign (1 of 4 stars; one submission).

Submission:

CeGaT Center for Human Genetics Tuebingen
Classification: Likely benign. Last evaluated: 2025-04-01. Review status: criteria provided, single submitter. Criteria: CeGaT Center For Human Genetics Tuebingen Variant Classification Criteria Version 2. Collection method: clinical testing. Allele origin: germline. Affected: yes. Observed: 1 variant allele.
Comment: PPM1M: BP4, BS2